The following is an entry in ClinVar:

ClinVar aggregate classification (germline): Likely pathogenic (1 of 4 stars; one submission).

Conditions:
Autosomal recessive nonsyndromic hearing loss 23. Identifiers: Orphanet 90636, MedGen C1836027, MONDO:0012293, OMIM 609533.

Submission:

Institute of Rare Diseases, West China Hospital, Sichuan University
Classification: Likely pathogenic for Autosomal recessive nonsyndromic hearing loss 23. Last evaluated: 2025-01-09. Review status: criteria provided, single submitter. Criteria: ClinGen HL ACMG Specifications v1. Collection method: research. Allele origin: germline. Affected: yes.
Comment: PVS1;PM2_Supporting

NM_001384140.1(PCDH15):c.4671+1218dup

Gene: PCDH15 (protocadherin related 15; minus strand). Cytogenetic location: 10q21.1.
Variant type: Duplication.
Coding change: c.4671+1218dup on transcript NM_001384140.1 (MANE Select); 1218 bases into the intron after coding-DNA position 4671, one base duplicated (A; older notation c.4671+1218dupA).
Molecular consequence: intron variant. On other transcripts: frameshift variant (2), 3 prime UTR variant (1).
Genome position (GRCh38, 1-based): chr10:53,809,338, T duplicated on the plus strand (A on the coding strand, the reverse complement: PCDH15 is on the minus strand). VCF-style (leftmost placement, unchanged base first): chr10-53809337-C-CT. GRCh37 (hg19) VCF-style: chr10-55569097-C-CT.
Other names: c.4727dup, p.Arg1577Glufs (NM_001142769.4); c.*142dup (NM_001142770.3); c.4706dup, p.Arg1570fs (NM_001354411.2); c.4476+1218dup (NM_001354420.2); c.4605+1218dup (NM_001354429.2); c.4482+1218dup (NM_001142772.2); c.4497+1218dup (NM_001142771.2); short protein forms R1570fs, R1577fs.
Identifiers: ClinVar variation 3601621 (VCV003601621.1).
Genomic context (GRCh38, chr10:53,809,337, plus strand): 5'-TGCTTCCTCTTGGTCCAGAGTGAGTTTCAAATAATCTTTATCTTCTTCCTCAAGGCGTCT[C>CT]TGCCACTCTTCACCCTCAAGGTCAACGATTCCTCTTTTATCAGCTAATCCTCTAACTTTC-3'